The following is an entry in ClinVar:

NM_024334.3(TMEM43):c.834G>A (p.Lys278=)

Gene: TMEM43 (transmembrane protein 43; plus strand). Cytogenetic location: 3p25.1.
Variant type: single nucleotide variant.
Coding change: c.834G>A on transcript NM_024334.3 (MANE Select); coding-DNA position 834, G replaced by A.
Protein change: p.Lys278=; no amino-acid change (lysine 278 retained).
Molecular consequence: synonymous variant.
Genome position (GRCh38, 1-based): chr3:14,135,860, G>A. VCF-style: chr3-14135860-G-A. GRCh37 (hg19) VCF-style: chr3-14177360-G-A.
Identifiers: ClinVar variation 1090354 (VCV001090354.16), dbSNP rs151009158, ClinGen allele CA055758.

ClinVar aggregate classification (germline): Benign/Likely benign. Review status: criteria provided, multiple submitters, no conflicts (2 of 4 stars). 5 submissions from 5 submitters: Benign (1); Likely benign (4). Last evaluated 2025-12-28.

Conditions:
Cardiovascular phenotype. Identifiers: MedGen CN230736.
Cardiomyopathy (CMYO). Also called: Cardiomyopathies. Identifiers: Orphanet 167848, MedGen C0878544, MONDO:0004994, HP:0001638. Inheritance: Various modes of inheritance.
Arrhythmogenic right ventricular dysplasia 5. Also called: ARRHYTHMOGENIC RIGHT VENTRICULAR DYSPLASIA, FAMILIAL, 5; Arrhythmogenic Right Ventricular Dysplasia/Cardiomyopathy 5. Identifiers: MedGen C1858379, MONDO:0011459, OMIM 604400.

Allele frequency attached by ClinVar (database versions not stated): gnomAD exomes 0.00001; ESP Exome Variant Server 0.00008; ExAC 0.00002.
gnomAD v4.1: 14 of 1,614,188 alleles (0.00087%); highest among the groups gnomAD compares: Non-Finnish European, 0.0012%; no homozygotes.

Submissions (5):

Labcorp Genetics (formerly Invitae), Labcorp
Classification: Likely benign for Arrhythmogenic right ventricular dysplasia 5. Last evaluated: 2025-12-28. Review status: criteria provided, single submitter. Criteria: Invitae Variant Classification Sherloc (09022015). Collection method: clinical testing. Allele origin: germline.

All of Us Research Program, National Institutes of Health
Classification: Likely benign for Arrhythmogenic right ventricular dysplasia 5. Last evaluated: 2023-12-01. Review status: criteria provided, single submitter. Criteria: ACMG Guidelines, 2015. Collection method: clinical testing. Allele origin: germline. Inheritance: Autosomal dominant inheritance. Observed: 2 variant alleles, 2 heterozygotes.
Comment: This study involves interpretation of variants in research participants for the purpose of population health screening. Participant phenotype was not available at the time of variant classification. Additional details can be found in publication PMID: 35346344, PMCID: PMC8962531

Ambry Genetics
Classification: Likely benign for Cardiovascular phenotype. Last evaluated: 2023-10-20. Review status: criteria provided, single submitter. Criteria: Ambry Variant Classification Scheme 2023. Collection method: clinical testing. Allele origin: germline.

Color Diagnostics, LLC DBA Color Health
Classification: Likely benign for Cardiomyopathy. Last evaluated: 2023-05-17. Review status: criteria provided, single submitter. Criteria: ACMG Guidelines, 2015. Collection method: clinical testing. Allele origin: germline.

GeneDx
Classification: Benign. Last evaluated: 2015-03-03. Review status: criteria provided, single submitter. Criteria: GeneDx Variant Classification Process June 2021. Collection method: clinical testing. Allele origin: germline. Affected: yes.